The following is an entry in ClinVar:

ClinVar aggregate classification (germline): Uncertain significance (1 of 4 stars; one submission).

Conditions:
Diffuse cerebral and cerebellar atrophy - intractable seizures - progressive microcephaly syndrome. Also called: Microcephaly, progressive, with seizures and cerebral and cerebellar atrophy. Identifiers: Orphanet 404437, MedGen C4014239, MONDO:0014335, OMIM 615760.

Submission:

Labcorp Genetics (formerly Invitae), Labcorp
Classification: Uncertain significance for Diffuse cerebral and cerebellar atrophy - intractable seizures - progressive microcephaly syndrome. Last evaluated: 2023-02-18. Review status: criteria provided, single submitter. Criteria: Invitae Variant Classification Sherloc (09022015). Collection method: clinical testing. Allele origin: germline.
Comment: This sequence change replaces phenylalanine, which is neutral and non-polar, with leucine, which is neutral and non-polar, at codon 288 of the QARS protein (p.Phe288Leu). This variant is not present in population databases (gnomAD no frequency). In summary, the available evidence is currently insufficient to determine the role of this variant in disease. Therefore, it has been classified as a Variant of Uncertain Significance. Advanced modeling of protein sequence and biophysical properties (such as structural, functional, and spatial information, amino acid conservation, physicochemical variation, residue mobility, and thermodynamic stability) has been performed at Invitae for this missense variant, however the output from this modeling did not meet the statistical confidence thresholds required to predict the impact of this variant on QARS protein function. This variant has not been reported in the literature in individuals affected with QARS-related conditions.

NM_005051.3(QARS1):c.862T>C (p.Phe288Leu)

Gene: QARS1 (glutaminyl-tRNA synthetase 1; minus strand). Cytogenetic location: 3p21.31.
Variant type: single nucleotide variant.
Coding change: c.862T>C on transcript NM_005051.3 (MANE Select); coding-DNA position 862, T replaced by C.
Protein change: p.Phe288Leu; replaces phenylalanine 288 with leucine.
Molecular consequence: missense variant. On other transcripts: non-coding transcript variant (1).
Genome position (GRCh38, 1-based): chr3:49,101,369, A>G on the plus strand (T>C on the coding strand, the complement: QARS1 is on the minus strand). VCF-style: chr3-49101369-A-G. GRCh37 (hg19) VCF-style: chr3-49138802-A-G.
Other names: c.829T>C, p.Phe277Leu (NM_001272073.2); short protein forms F277L, F288L.
Identifiers: ClinVar variation 2069364 (VCV002069364.4), dbSNP rs2471855133, ClinGen allele CA352713934.
Genomic context (GRCh38, chr3:49,101,369, plus strand): 5'-CAGCAAGTGGTCATCTTGCTTGCCAGGTCCCTAGACACATGCTTACCTTGGCATAGCCAA[A>G]GTTGAAATTGATGGCTTTGGCATGTCCAATATGCAGGATTCCATTGGGTTCTGGCGGGAA-3'
Protein context (NP_005042.1, residues 278-298): IGHAKAINFN[Phe288Leu]GYAKANNGIC